The following is an entry in ClinVar:

ClinVar aggregate classification (germline): Uncertain significance (1 of 4 stars; one submission).

Conditions:
Neuronopathy, distal hereditary motor, type 7A. Also called: Neuronopathy, distal hereditary motor, type viia; NEURONOPATHY, DISTAL HEREDITARY MOTOR, HARDING TYPE VIIA; NEUROPATHY, DISTAL HEREDITARY MOTOR, HARDING TYPE VIIA; Neuronopathy, distal hereditary motor, autosomal dominant 7; HARPER-YOUNG MYOPATHY; HMN VIIA. Identifiers: Orphanet 139589, MedGen C1834703, MONDO:0008024, OMIM 158580.
Congenital myasthenic syndrome 20. Also called: Myasthenic syndrome, congenital, 20, presynaptic. Identifiers: MedGen C4310694, MONDO:0014939, OMIM 617143.

Allele frequency attached by ClinVar (database versions not stated): gnomAD exomes below 0.00001.
gnomAD v4.1: 1 of 1,614,168 alleles (0.000062%); highest among the groups gnomAD compares: Non-Finnish European, 0.000085%; no homozygotes.

Submission:

Labcorp Genetics (formerly Invitae), Labcorp
Classification: Uncertain significance for Neuronopathy, distal hereditary motor, type 7A; Congenital myasthenic syndrome 20. Last evaluated: 2023-09-19. Review status: criteria provided, single submitter. Criteria: Invitae Variant Classification Sherloc (09022015). Collection method: clinical testing. Allele origin: germline.
Comment: In summary, the available evidence is currently insufficient to determine the role of this variant in disease. Therefore, it has been classified as a Variant of Uncertain Significance. Advanced modeling of protein sequence and biophysical properties (such as structural, functional, and spatial information, amino acid conservation, physicochemical variation, residue mobility, and thermodynamic stability) performed at Invitae indicates that this missense variant is expected to disrupt SLC5A7 protein function. This variant has not been reported in the literature in individuals affected with SLC5A7-related conditions. This variant is not present in population databases (gnomAD no frequency). This sequence change replaces serine, which is neutral and polar, with leucine, which is neutral and non-polar, at codon 266 of the SLC5A7 protein (p.Ser266Leu).

NM_021815.5(SLC5A7):c.797C>T (p.Ser266Leu)

Gene: SLC5A7 (solute carrier family 5 member 7; plus strand). Cytogenetic location: 2q12.3.
Variant type: single nucleotide variant.
Coding change: c.797C>T on transcript NM_021815.5 (MANE Select); coding-DNA position 797, C replaced by T.
Protein change: p.Ser266Leu; replaces serine 266 with leucine.
Molecular consequence: missense variant.
Genome position (GRCh38, 1-based): chr2:108,006,104, C>T. VCF-style: chr2-108006104-C-T. GRCh37 (hg19) VCF-style: chr2-108622560-C-T.
Other names: c.797C>T, p.Ser266Leu (NM_001305005.3); c.482C>T, p.Ser161Leu (NM_001305006.3); c.56C>T, p.Ser19Leu (NM_001305007.3); short protein forms S19L, S266L, S161L.
Identifiers: ClinVar variation 2951883 (VCV002951883.3), dbSNP rs2467117661, ClinGen allele CA348113163.